The following is an entry in ClinVar:

ClinVar aggregate classification (germline): Uncertain significance (1 of 4 stars; one submission).

Conditions:
Hereditary cancer-predisposing syndrome. Also called: Neoplastic Syndromes, Hereditary; Hereditary neoplastic syndrome; Tumor predisposition; Hereditary Cancer Syndrome. Identifiers: Orphanet 140162, MedGen C0027672, MeSH D009386, MONDO:0015356.

Submission:

Ambry Genetics
Classification: Uncertain significance for Hereditary cancer-predisposing syndrome. Last evaluated: 2026-01-25. Review status: criteria provided, single submitter. Criteria: Ambry Variant Classification Scheme 2023. Collection method: clinical testing. Allele origin: germline.
Comment: The p.H183Y variant (also known as c.547C>T), located in coding exon 4 of the EGFR gene, results from a C to T substitution at nucleotide position 547. The histidine at codon 183 is replaced by tyrosine, an amino acid with similar properties. This amino acid position is conserved. In addition, this alteration is predicted to be tolerated by in silico analysis. Based on the available evidence, the clinical significance of this variant remains unclear.

NM_005228.5(EGFR):c.547C>T (p.His183Tyr)

Gene: EGFR (epidermal growth factor receptor; plus strand). Cytogenetic location: 7p11.2.
Variant type: single nucleotide variant.
Coding change: c.547C>T on transcript NM_005228.5 (MANE Select); coding-DNA position 547, C replaced by T.
Protein change: p.His183Tyr; replaces histidine 183 with tyrosine.
Molecular consequence: missense variant. On other transcripts: intron variant (3).
Genome position (GRCh38, 1-based): chr7:55,146,728, C>T. VCF-style: chr7-55146728-C-T. GRCh37 (hg19) VCF-style: chr7-55214421-C-T.
Other names: c.547C>T, p.His183Tyr (NM_001346898.2, NM_201282.2, NM_201283.2 and 1 more transcripts); c.388C>T, p.His130Tyr (NM_001346900.2); c.424+3240C>T (NM_001346899.2, NM_001346897.2); c.89-9102C>T (NM_001346941.2); short protein forms H183Y, H130Y.
Identifiers: ClinVar variation 4824464 (VCV004824464.1).